The following is an entry in ClinVar:

ClinVar aggregate classification (germline): Uncertain significance (1 of 4 stars; one submission).

Allele frequency attached by ClinVar (database versions not stated): TOPMed below 0.00001; gnomAD exomes 0.00002; 1000 Genomes Project 30x 0.00047; ExAC 0.00004; gnomAD 0.00007; 1000 Genomes Project 0.00060.
gnomAD v4.1: 51 of 1,581,830 alleles (0.0032%); highest among the groups gnomAD compares: East Asian, 0.063%; no homozygotes.

Submissions (2):

Labcorp Genetics (formerly Invitae), Labcorp
Classification: Uncertain significance. Last evaluated: 2025-09-08. Review status: criteria provided, single submitter. Criteria: Invitae Variant Classification Sherloc (09022015). Collection method: clinical testing. Allele origin: germline.
Comment: This sequence change falls in intron 7 of the TBC1D7 gene. It does not directly change the encoded amino acid sequence of the TBC1D7 protein. It affects a nucleotide within the consensus splice site. This variant is present in population databases (rs377210752, gnomAD 0.1%). This variant has not been reported in the literature in individuals affected with TBC1D7-related conditions. ClinVar contains an entry for this variant (Variation ID: 2766071). Variants that disrupt the consensus splice site are a relatively common cause of aberrant splicing (PMID: 17576681, 9536098). Algorithms developed to predict the effect of sequence changes on RNA splicing suggest that this variant may disrupt the consensus splice site. In summary, the available evidence is currently insufficient to determine the role of this variant in disease. Therefore, it has been classified as a Variant of Uncertain Significance.

Dr. Peter K. Rogan Lab, Western University
No classification provided (evidence only). Condition: Malignant tumor of esophagus. Review status: no classification provided. Collection method: in vitro. Allele origin: not applicable. Functional consequence: skipped exon, retained intron. Not counted in ClinVar's aggregate classification.

Literature cited by the submitters: PubMed 17576681 (cited by Labcorp Genetics (formerly Invitae), Labcorp); PubMed 9536098 (cited by Labcorp Genetics (formerly Invitae), Labcorp).

NM_016495.6(TBC1D7):c.795+6T>C

Genes: TBC1D7 (TBC1 domain family member 7; minus strand), TBC1D7-LOC100130357 (TBC1D7-LOC100130357 readthrough; minus strand). Cytogenetic location: 6p24.1.
Variant type: single nucleotide variant.
Coding change: c.795+6T>C on transcript NM_016495.6 (MANE Select); 6 bases into the intron after coding-DNA position 795, T replaced by C.
Molecular consequence: intron variant.
Genome position (GRCh38, 1-based): chr6:13,306,392, A>G on the plus strand (T>C on the coding strand, the complement: TBC1D7 is on the minus strand). VCF-style: chr6-13306392-A-G. GRCh37 (hg19) VCF-style: chr6-13306624-A-G.
Other names: c.795+6T>C (NM_001318809.2, NM_001143965.4, NM_001318805.2 and 1 more transcripts); c.714+6T>C (NM_001143966.4); c.657+6T>C (NM_001258457.3).
Identifiers: ClinVar variation 2766071 (VCV002766071.4), dbSNP rs377210752, ClinGen allele CA3639625.
Genomic context (GRCh38, chr6:13,306,392, plus strand): 5'-CAGGAAAATCTGACTTGCTAAGGTAACTTCATTTCCAGATTCAAAATCAAATCAAAGCAC[A>G]CTTACATTTTCCAGAAACTTTGTTATCTTCTCTGCACTGTTCAGTGCCATAACTTTTATT-3'